The following is an entry in ClinVar:

ClinVar aggregate classification (germline): Uncertain significance (1 of 4 stars; one submission).

Conditions:
Progressive myoclonic epilepsy type 5. Identifiers: Orphanet 402082, MedGen C5190799.

Allele frequency attached by ClinVar (database versions not stated): gnomAD 0.00001; gnomAD exomes 0.00001.
gnomAD v4.1: 9 of 1,614,052 alleles (0.00056%); highest among the groups gnomAD compares: South Asian, 0.0011%; no homozygotes.

Submission:

Labcorp Genetics (formerly Invitae), Labcorp
Classification: Uncertain significance for Progressive myoclonic epilepsy type 5. Last evaluated: 2021-01-18. Review status: criteria provided, single submitter. Criteria: Invitae Variant Classification Sherloc (09022015). Collection method: clinical testing. Allele origin: germline.
Comment: In summary, the available evidence is currently insufficient to determine the role of this variant in disease. Therefore, it has been classified as a Variant of Uncertain Significance. Algorithms developed to predict the effect of missense changes on protein structure and function (SIFT, PolyPhen-2, Align-GVGD) all suggest that this variant is likely to be tolerated, but these predictions have not been confirmed by published functional studies and their clinical significance is uncertain. This variant has not been reported in the literature in individuals with PRICKLE2-related conditions. This variant is not present in population databases (ExAC no frequency). This sequence change replaces methionine with threonine at codon 617 of the PRICKLE2 protein (p.Met617Thr). The methionine residue is moderately conserved and there is a moderate physicochemical difference between methionine and threonine.

NM_198859.4(PRICKLE2):c.1850T>C (p.Met617Thr)

Genes: PRICKLE2 (prickle planar cell polarity protein 2; minus strand), PRICKLE2-AS1 (PRICKLE2 antisense RNA 1; plus strand). Cytogenetic location: 3p14.1.
Variant type: single nucleotide variant.
Coding change: c.1850T>C on transcript NM_198859.4 (MANE Select); coding-DNA position 1850, T replaced by C.
Protein change: p.Met617Thr; replaces methionine 617 with threonine.
Molecular consequence: missense variant. On other transcripts: non-coding transcript variant (1).
Genome position (GRCh38, 1-based): chr3:64,099,736, A>G on the plus strand (T>C on the coding strand, the complement: PRICKLE2 is on the minus strand). VCF-style: chr3-64099736-A-G. GRCh37 (hg19) VCF-style: chr3-64085412-A-G.
Other names: c.1850T>C, p.Met617Thr (NM_001370528.1); short protein forms M617T.
Identifiers: ClinVar variation 1416967 (VCV001416967.8), dbSNP rs2076624835, ClinGen allele CA353427693.